The following is an entry in ClinVar:

NM_017654.4(SAMD9):c.1599A>G (p.Ile533Met)

Gene: SAMD9 (sterile alpha motif domain containing 9; minus strand). Cytogenetic location: 7q21.2.
Variant type: single nucleotide variant.
Coding change: c.1599A>G on transcript NM_017654.4 (MANE Select); coding-DNA position 1599, A replaced by G.
Protein change: p.Ile533Met; replaces isoleucine 533 with methionine.
Molecular consequence: missense variant.
Genome position (GRCh38, 1-based): chr7:93,104,499, T>C on the plus strand (A>G on the coding strand, the complement: SAMD9 is on the minus strand). VCF-style: chr7-93104499-T-C. GRCh37 (hg19) VCF-style: chr7-92733812-T-C.
Other names: c.1599A>G, p.Ile533Met (NM_001193307.2); short protein forms I533M.
Identifiers: ClinVar variation 4629871 (VCV004629871.1).
Genomic context (GRCh38, chr7:93,104,499, plus strand): 5'-TCTTGGGTCATCCACAGAGGACAGTAATAGAAATACCACCAAAAACTTCCCTCTTGGCAT[T>C]ATGTCTTCATGTGTAAGAAATGAAATCAGTTTCCTGACATCAGAAGCTCTTTCTCTTTGC-3'
Protein context (NP_060124.2, residues 523-543): KLISFLTHED[Ile533Met]MPRGKFLVVF

ClinVar aggregate classification (germline): Uncertain significance (1 of 4 stars; one submission).

Conditions:
Inborn genetic diseases. Identifiers: MedGen C0950123, MeSH D030342.

Submission:

Ambry Genetics
Classification: Uncertain significance for Inborn genetic diseases. Last evaluated: 2025-10-14. Review status: criteria provided, single submitter. Criteria: Ambry Variant Classification Scheme 2023. Collection method: clinical testing. Allele origin: germline.
Comment: The p.I533M variant (also known as c.1599A>G), located in coding exon 1 of the SAMD9 gene, results from an A to G substitution at nucleotide position 1599. The isoleucine at codon 533 is replaced by methionine, an amino acid with highly similar properties. This amino acid position is conserved. In addition, this alteration is predicted to be tolerated by in silico analysis. Based on the available evidence, the clinical significance of this variant remains unclear.